The following is an entry in ClinVar:

NM_002458.3(MUC5B):c.10882C>T (p.Arg3628Trp)

Genes: MUC5B (mucin 5B, oligomeric mucus/gel-forming; plus strand), MUC5B-AS1 (MUC5B antisense RNA 1; minus strand). Cytogenetic location: 11p15.5.
Variant type: single nucleotide variant.
Coding change: c.10882C>T on transcript NM_002458.3 (MANE Select); coding-DNA position 10882, C replaced by T.
Protein change: p.Arg3628Trp; replaces arginine 3628 with tryptophan.
Molecular consequence: missense variant.
Genome position (GRCh38, 1-based): chr11:1,247,762, C>T. VCF-style: chr11-1247762-C-T. GRCh37 (hg19) VCF-style: chr11-1268992-C-T.
Other names: short protein forms R3628W.
Identifiers: ClinVar variation 3399921 (VCV003399921.8).
Genomic context (GRCh38, chr11:1,247,762, plus strand): 5'-GTCTGTGAGCAGCCCCTGGGCCTCGAGTGCCGTGCCCAGGCCCAGCCTGGTGTCCCCCTG[C>T]GGGAGTTGGGCCAGGTCGTGGAATGCAGCCTGGACTTTGGCCTGGTCTGCAGGAACCGTG-3'
Protein context (NP_002449.2, residues 3618-3638): RAQAQPGVPL[Arg3628Trp]ELGQVVECSL

ClinVar aggregate classification (germline): Conflicting classifications of pathogenicity. Review status: criteria provided, conflicting classifications (1 of 4 stars). 2 submissions from 2 submitters: Uncertain significance (1); Likely benign (1). Last evaluated 2025-03-01.

gnomAD v4.1: 159 of 1,606,818 alleles (0.0099%); highest among the groups gnomAD compares: South Asian, 0.017%; 3 homozygotes.

Submissions (2):

CeGaT Center for Human Genetics Tuebingen
Classification: Likely benign. Last evaluated: 2025-03-01. Review status: criteria provided, single submitter. Criteria: CeGaT Center For Human Genetics Tuebingen Variant Classification Criteria Version 2. Collection method: clinical testing. Allele origin: germline. Affected: yes. Observed: 1 variant allele.
Comment: MUC5B: BP4, BS2

Ambry Genetics
Classification: Uncertain significance. Last evaluated: 2024-08-10. Review status: criteria provided, single submitter. Criteria: Ambry Variant Classification Scheme 2023. Collection method: clinical testing. Allele origin: germline.